The following is an entry in ClinVar:

ClinVar aggregate classification (germline): Conflicting classifications of pathogenicity. Review status: criteria provided, conflicting classifications (1 of 4 stars). 2 submissions from 2 submitters: Pathogenic (1); Uncertain significance (1). Last evaluated 2026-01-08.

Conditions:
Hereditary cancer-predisposing syndrome. Also called: Hereditary Cancer Syndrome; Tumor predisposition; Neoplastic Syndromes, Hereditary; Hereditary neoplastic syndrome. Identifiers: Orphanet 140162, MedGen C0027672, MeSH D009386, MONDO:0015356.

Allele frequency attached by ClinVar (database versions not stated): gnomAD exomes below 0.00001; gnomAD 0.00001; TOPMed 0.00002.
gnomAD v4.1: 2 of 1,613,748 alleles (0.00012%); highest among the groups gnomAD compares: Non-Finnish European, 0.00017%; no homozygotes.

Submissions (2):

Ambry Genetics
Classification: Uncertain significance for Hereditary cancer-predisposing syndrome. Last evaluated: 2026-01-08. Review status: criteria provided, single submitter. Criteria: Ambry Variant Classification Scheme 2023. Collection method: clinical testing. Allele origin: germline.
Comment: The p.Q2068* variant (also known as c.6202C>T), located in coding exon 45 of the POLE gene, results from a C to T substitution at nucleotide position 6202. This changes the amino acid from a glutamine to a stop codon within coding exon 45. This alteration is expected to result in loss of function by premature protein truncation or nonsense-mediated mRNA decay. Although biallelic loss of function of POLE has been associated with autosomal recessive POLE deficiency, haploinsufficiency of POLE has not been established as a mechanism of disease for POLE-related polymerase proofreading-associated polyposis (PPAP) and POLE-related CMMRD-like syndrome. Based on the supporting evidence, this variant is expected to be causative of POLE deficiency when present along with a second pathogenic variant on the other allele; however, its clinical significance for PPAP and POLE-related CMMRD-like syndrome is unclear.

Labcorp Genetics (formerly Invitae), Labcorp
Classification: Pathogenic. Last evaluated: 2024-03-19. Review status: criteria provided, single submitter. Criteria: Invitae Variant Classification Sherloc (09022015). Collection method: clinical testing. Allele origin: germline.
Comment: This sequence change creates a premature translational stop signal (p.Gln2068*) in the POLE gene. It is expected to result in an absent or disrupted protein product. Loss-of-function variants in POLE are known to be pathogenic (PMID: 23230001, 25948378, 30503519). This variant is not present in population databases (gnomAD no frequency). This variant has not been reported in the literature in individuals affected with POLE-related conditions. ClinVar contains an entry for this variant (Variation ID: 826245). For these reasons, this variant has been classified as Pathogenic.

Literature cited by the submitters: PubMed 23230001 (cited by Labcorp Genetics (formerly Invitae), Labcorp); PubMed 25948378 (cited by Labcorp Genetics (formerly Invitae), Labcorp); PubMed 30503519 (cited by Labcorp Genetics (formerly Invitae), Labcorp).

NM_006231.4(POLE):c.6202C>T (p.Gln2068Ter)

Gene: POLE (DNA polymerase epsilon, catalytic subunit; minus strand). Cytogenetic location: 12q24.33.
Variant type: single nucleotide variant.
Coding change: c.6202C>T on transcript NM_006231.4 (MANE Select); coding-DNA position 6202, C replaced by T.
Protein change: p.Gln2068Ter; replaces glutamine 2068 with a stop codon.
Molecular consequence: nonsense.
Genome position (GRCh38, 1-based): chr12:132,632,443, G>A on the plus strand (C>T on the coding strand, the complement: POLE is on the minus strand). VCF-style: chr12-132632443-G-A. GRCh37 (hg19) VCF-style: chr12-133209029-G-A.
Other names: short protein forms Q2068*.
Identifiers: ClinVar variation 826245 (VCV000826245.7), dbSNP rs1463790683, ClinGen allele CA387369747.